The following is an entry in ClinVar:

ClinVar aggregate classification (germline): Pathogenic (1 of 4 stars; one submission).

Submission:

GeneDx
Classification: Pathogenic. Last evaluated: 2017-02-24. Review status: criteria provided, single submitter. Criteria: GeneDx Variant Classification (06012015). Collection method: clinical testing. Allele origin: germline. Affected: yes.
Comment: The c.3412dupG pathogenic variant in the EP300 gene causes a frameshift starting with codon Valine 1138, changes this amino acid to a Glycine residue and creates a premature Stop codon at position 10 of the new reading frame, denoted p.Val1138GlyfsX10. This variant is predicted to cause loss of normal protein function either through protein truncation or nonsense-mediated mRNA decay. It is not observed in large population cohorts (Lek et al., 2016; 1000 Genomes Consortium et al., 2015; Exome Variant Server).

NM_001429.4(EP300):c.3412dup (p.Val1138fs)

Gene: EP300 (E1A binding protein p300; plus strand). Cytogenetic location: 22q13.2.
Variant type: Duplication.
Coding change: c.3412dup on transcript NM_001429.4 (MANE Select); coding-DNA position 3412, one base duplicated (G; older notation c.3412dupG).
Protein change: p.Val1138fs; shifts the reading frame from valine 1138.
Molecular consequence: frameshift variant.
Genome position (GRCh38, 1-based): chr22:41,157,319, G duplicated; the last of 3 consecutive G bases (chr22:41,157,317-41,157,319); duplicating any one gives the same sequence. VCF-style (leftmost placement, unchanged base first): chr22-41157316-C-CG. GRCh37 (hg19) VCF-style: chr22-41553320-C-CG.
Other names: c.3334dup, p.Val1112fs (NM_001362843.2); short protein forms V1112fs, V1138fs.
Identifiers: ClinVar variation 423581 (VCV000423581.2), dbSNP rs1555910122, ClinGen allele CA16621125.